The following is an entry in ClinVar:

NM_144573.4(NEXN):c.1922T>G (p.Leu641Ter)

Gene: NEXN (nexilin F-actin binding protein; plus strand). Cytogenetic location: 1p31.1.
Variant type: single nucleotide variant.
Coding change: c.1922T>G on transcript NM_144573.4 (MANE Select); coding-DNA position 1922, T replaced by G.
Protein change: p.Leu641Ter; replaces leucine 641 with a stop codon.
Molecular consequence: nonsense.
Genome position (GRCh38, 1-based): chr1:77,942,723, T>G. VCF-style: chr1-77942723-T-G. GRCh37 (hg19) VCF-style: chr1-78408408-T-G.
Other names: c.1730T>G, p.Leu577Ter (NM_001172309.2); short protein forms L577*, L641*.
Identifiers: ClinVar variation 1782713 (VCV001782713.2), dbSNP rs760119697, ClinGen allele CA340883198.
Genomic context (GRCh38, chr1:77,942,723, plus strand): 5'-TACTGCAGGATGGAGAAGACTATCAATATATTGAAAGGGGAGAAACTTACTGCCTTTACT[T>G]ACCAGAAACTTTCCCAGAAGATGGAGGAGAGTATATGTGTAAAGCAGTCAACAATAAAGG-3'

ClinVar aggregate classification (germline): Uncertain significance (1 of 4 stars; one submission).

Conditions:
Cardiovascular phenotype. Identifiers: MedGen CN230736.

Submission:

Ambry Genetics
Classification: Uncertain significance for Cardiovascular phenotype. Last evaluated: 2020-12-29. Review status: criteria provided, single submitter. Criteria: Ambry Variant Classification Scheme 2023. Collection method: clinical testing. Allele origin: germline.
Comment: The p.L641* variant (also known as c.1922T>G), located in coding exon 12 of the NEXN gene, results from a T to G substitution at nucleotide position 1922. This changes the amino acid from a leucine to a stop codon within coding exon 12. This alteration is expected to result in premature protein truncation or nonsense-mediated mRNA decay. However, loss of function of NEXN has not been clearly established as a mechanism of disease. Since supporting evidence is limited at this time, the clinical significance of this alteration remains unclear.